The following is an entry in ClinVar:

ClinVar aggregate classification (germline): Pathogenic (1 of 4 stars; one submission).

Submission:

Illumina Laboratory Services, Illumina
Classification: Pathogenic. Last evaluated: 2022-01-13. Review status: criteria provided, single submitter. Criteria: ICSL CNVClassificationCriteria Aug2020. Collection method: clinical testing. Allele origin: unknown.
Comment: This CNV is a 4.3 Mb deletion of 12q12-q13.11 on chromosome 12, (seq[GRCh37]del(12)(q12q13.11); chr12:g.44661149_48921204del) that was found in a de novo state. This CNV constitutes a loss encompassing 29 protein coding genes, including COL2A1 and ARID2, which are associated with Stickler syndrome and Coffin-Siris syndrome, respectively. This CNV has not been reported in controls. Similar de novo CNVs, ranging in size from 2.3 Mb to 6.5 Mb, have been reported in several individuals in the DECIPHER database and in the literature, with reported phenotypes including developmental delay, cognitive impairment, growth delay, hypotonia, congenital heart defects, retinal abnormalities, and variable dysmorphic features (Firth et al. 2009; Weng et al. 2018; Sobol et al. 2020). Based on the available evidence, this CNV is classified as pathogenic.

Literature cited by the submitters: PubMed 19344873; PubMed 30155906.

GRCh37/hg19 12q12-13.11(chr12:44661149-48921204)x1

Genes: AMIGO2 (adhesion molecule with Ig like domain 2; minus strand), ANO6 (anoctamin 6; plus strand), ANP32D (acidic nuclear phosphoprotein 32 family member D; plus strand), ARID2 (AT-rich interaction domain 2; plus strand), ASB8 (ankyrin repeat and SOCS box containing 8; minus strand) and 24 more. Cytogenetic location: 12q12-13.11.
Variant type: copy number loss.
Change: copy number 1 (one copy instead of two) of chr12:44,661,149-48,921,204 (4.26 Mb, GRCh37 coordinates, 1-based), cytogenetic band 12q12-13.11.
Identifiers: ClinVar variation 1710515 (VCV001710515.3).